The following is an entry in ClinVar:

NM_007294.4(BRCA1):c.156C>G (p.Leu52=)

Gene: BRCA1 (BRCA1 DNA repair associated; minus strand). Cytogenetic location: 17q21.31.
Variant type: single nucleotide variant.
Coding change: c.156C>G on transcript NM_007294.4 (MANE Select); coding-DNA position 156, C replaced by G.
Protein change: p.Leu52=; no amino-acid change (leucine 52 retained).
Molecular consequence: synonymous variant. On other transcripts: 5 prime UTR variant (61), intron variant (34).
Genome position (GRCh38, 1-based): chr17:43,106,512, G>C on the plus strand (C>G on the coding strand, the complement: BRCA1 is on the minus strand). VCF-style: chr17-43106512-G-C. GRCh37 (hg19) VCF-style: chr17-41258529-G-C.
Other names: c.-33C>G (NM_001407571.1, NM_001407853.1, NM_001407879.1 and 58 more transcripts); c.156C>G, p.Leu52= (NM_001407581.1, NM_001407582.1, NM_001407583.1 and 168 more transcripts); c.15C>G, p.Leu5= (NM_001407692.1, NM_001407694.1, NM_001407695.1 and 99 more transcripts); c.-218-11652C>G (NM_001407967.1, NM_001407966.1); c.-169-1556C>G (NM_001407959.1, NM_001407962.1, NM_001408512.1 and 4 more transcripts); c.81-1556C>G (NM_001408451.1); c.135-1556C>G (NM_001408475.1, NM_001407875.1, NM_001407659.1 and 21 more transcripts).
Identifiers: ClinVar variation 867285 (VCV000867285.3), dbSNP rs2054789276, ClinGen allele CA500128199.

Conditions:
Breast-ovarian cancer, familial, susceptibility to, 1 (BROVCA1). Also called: BRCA1 Hereditary Breast and Ovarian Cancer; OVARIAN CANCER, SUSCEPTIBILITY TO. Identifiers: Orphanet 145, MedGen C2676676, MONDO:0011450, OMIM 604370. Disease mechanism: loss of function.

Submission:

Brotman Baty Institute, University of Washington
No classification provided (evidence only). Condition: Breast-ovarian cancer, familial 1. Review status: no classification provided. Collection method: in vitro. Allele origin: not applicable. Functional consequence: functionally_normal.
ClinVar note: "not provided" was previously submitted as the classification for the variant. However, the classification appeared to be based only on an observation of functional data so it was converted to no classification on 2025-07-30.